The following is an entry in ClinVar:

ClinVar aggregate classification (germline): Likely benign. Review status: criteria provided, multiple submitters, no conflicts (2 of 4 stars). 2 submissions from 2 submitters: Likely benign (2). Last evaluated 2018-06-19.

Allele frequency attached by ClinVar (database versions not stated): 1000 Genomes Project 30x 0.00828; 1000 Genomes Project 0.00879; TOPMed 0.01928; gnomAD 0.01989 and 0.02062.
gnomAD v4.1: 27,105 of 1,117,036 alleles (2.4%); highest among the groups gnomAD compares: Non-Finnish European, 3.1%; 437 homozygotes.

Submissions (2):

GeneDx
Classification: Likely benign. Last evaluated: 2018-06-19. Review status: criteria provided, single submitter. Criteria: GeneDx Variant Classification (06012015). Collection method: clinical testing. Allele origin: germline. Affected: yes.
Comment: This variant is considered likely benign or benign based on one or more of the following criteria: it is a conservative change, it occurs at a poorly conserved position in the protein, it is predicted to be benign by multiple in silico algorithms, and/or has population frequency not consistent with disease.

Breakthrough Genomics
Classification: Likely benign. Review status: criteria provided, single submitter. Criteria: ACMG Guidelines, 2015. Collection method: not provided. Allele origin: germline. Inheritance: Autosomal recessive inheritance. Affected: yes.

NM_182961.4(SYNE1):c.226-120A>G

Gene: SYNE1 (spectrin repeat containing nuclear envelope protein 1; minus strand). Cytogenetic location: 6q25.2.
Variant type: single nucleotide variant.
Coding change: c.226-120A>G on transcript NM_182961.4 (MANE Select); 120 bases into the intron before coding-DNA position 226, A replaced by G.
Molecular consequence: intron variant.
Genome position (GRCh38, 1-based): chr6:152,520,662, T>C on the plus strand (A>G on the coding strand, the complement: SYNE1 is on the minus strand). VCF-style: chr6-152520662-T-C. GRCh37 (hg19) VCF-style: chr6-152841797-T-C.
Other names: c.226-120A>G (NM_033071.5).
Identifiers: ClinVar variation 677609 (VCV000677609.2), dbSNP rs17699329, ClinGen allele CA150208442.